The following is an entry in ClinVar:

ClinVar aggregate classification (germline): Likely pathogenic (1 of 4 stars; one submission).

Conditions:
Deficiency of alpha-mannosidase (MANSA). Also called: Alpha-Mannosidosis; Mannosidosis, alpha-, types I and II; LYSOSOMAL ALPHA-D-MANNOSIDASE DEFICIENCY. Identifiers: Orphanet 61, MedGen C0024748, MONDO:0009561, OMIM 248500.

Submission:

Natera, Inc.
Classification: Likely pathogenic for Alpha-mannosidosis. Last evaluated: 2024-12-04. Review status: criteria provided, single submitter. Criteria: Natera Variant Classification Schema (03/2026). Collection method: clinical testing. Allele origin: germline.
Comment: The c.1928+2del variant in MAN2B1 is a canonical splice donor site variant predicted to affect pre-mRNA splicing, which may result in an abnormal transcript and altered protein product. This variant is expected to result in nonsense mediated decay, truncation, or a dysfunctional protein product. This variant is rare in the general population with a frequency below the threshold expected for the associated phenotype(s). Given the available evidence, this variant is classified as Likely Pathogenic.

NM_000528.4(MAN2B1):c.1928+2del

Gene: MAN2B1 (mannosidase alpha class 2B member 1; minus strand). Cytogenetic location: 19p13.13.
Variant type: Deletion.
Coding change: c.1928+2del on transcript NM_000528.4 (MANE Select); the canonical splice donor site of the intron after coding-DNA position 1928, one base deleted (T; older notation c.1928+2delT).
Molecular consequence: splice donor variant.
Genome position (GRCh38, 1-based): chr19:12,652,361, A deleted on the plus strand (T on the coding strand, the reverse complement: MAN2B1 is on the minus strand). VCF-style (leftmost placement, unchanged base first): chr19-12652360-TA-T. GRCh37 (hg19) VCF-style: chr19-12763174-TA-T.
Other names: c.1925+2del (NM_001173498.2); c.1931+2del (NM_001440570.1).
Identifiers: ClinVar variation 4814308 (VCV004814308.1).
Genomic context (GRCh38, chr19:12,652,360, plus strand): 5'-AGGGGCCCTAGCTCCATGCCGAGCACCACCACCCCACCCTCAGGCCTGGTGATCTTCCCT[TA>T]CCAGAAGAAGGTCTGGCGAACAGGCAGCAGGAGTTGCTGATTCATGTTCATAATCTCCAT-3'